The following is an entry in ClinVar:

ClinVar aggregate classification (germline): Uncertain significance (1 of 4 stars; one submission).

Conditions:
Neuronopathy, distal hereditary motor, autosomal recessive 4. Also called: NEUROPATHY, DISTAL HEREDITARY MOTOR, AUTOSOMAL RECESSIVE 4; Autosomal recessive lower motor neuron disease with childhood onset. Identifiers: Orphanet 206580, MedGen C1970211, MONDO:0012608, OMIM 611067.
Charcot-Marie-Tooth disease recessive intermediate C. Also called: CHARCOT-MARIE-TOOTH NEUROPATHY, RECESSIVE INTERMEDIATE C. Identifiers: Orphanet 369867, MedGen C3809309, MONDO:0014154, OMIM 615376.

Allele frequency attached by ClinVar (database versions not stated): gnomAD 0.00001; gnomAD exomes 0.00001; TOPMed 0.00002.
gnomAD v4.1: 10 of 1,613,294 alleles (0.00062%); highest among the groups gnomAD compares: African/African-American, 0.0013%; no homozygotes.

Submission:

Labcorp Genetics (formerly Invitae), Labcorp
Classification: Uncertain significance for Neuronopathy, distal hereditary motor, autosomal recessive 4; Charcot-Marie-Tooth disease recessive intermediate C. Last evaluated: 2021-08-27. Review status: criteria provided, single submitter. Criteria: Invitae Variant Classification Sherloc (09022015). Collection method: clinical testing. Allele origin: germline.
Comment: This sequence change replaces isoleucine with valine at codon 352 of the PLEKHG5 protein (p.Ile352Val). The isoleucine residue is highly conserved and there is a small physicochemical difference between isoleucine and valine. This variant is not present in population databases (ExAC no frequency). This variant has not been reported in the literature in individuals affected with PLEKHG5-related conditions. Algorithms developed to predict the effect of missense changes on protein structure and function output the following: SIFT: "Tolerated"; PolyPhen-2: "Benign"; Align-GVGD: "Class C0". The valine amino acid residue is found in multiple mammalian species, which suggests that this missense change does not adversely affect protein function. In summary, the available evidence is currently insufficient to determine the role of this variant in disease. Therefore, it has been classified as a Variant of Uncertain Significance.

NM_020631.6(PLEKHG5):c.1054A>G (p.Ile352Val)

Gene: PLEKHG5 (pleckstrin homology and RhoGEF domain containing G5; minus strand). Cytogenetic location: 1p36.31.
Variant type: single nucleotide variant.
Coding change: c.1054A>G on transcript NM_020631.6 (MANE Select); coding-DNA position 1054, A replaced by G.
Protein change: p.Ile352Val; replaces isoleucine 352 with valine.
Molecular consequence: missense variant.
Genome position (GRCh38, 1-based): chr1:6,472,553, T>C on the plus strand (A>G on the coding strand, the complement: PLEKHG5 is on the minus strand). VCF-style: chr1-6472553-T-C. GRCh37 (hg19) VCF-style: chr1-6532613-T-C.
Other names: c.1054A>G, p.Ile352Val (NM_198681.4, NM_001042664.2, NM_001042665.2 and 1 more transcripts); c.1165A>G, p.Ile389Val (NM_001042663.3, NM_001265592.2); c.1261A>G, p.Ile421Val (NM_001265593.2); short protein forms I352V, I389V, I421V.
Identifiers: ClinVar variation 1005751 (VCV001005751.9), dbSNP rs200802048, ClinGen allele CA17241054.
Genomic context (GRCh38, chr1:6,472,553, plus strand): 5'-GGTGGCCACGGGGACCAGCGCAGCCCCTACTCACGTTGATGATCACCCGCAGTTTCCTGA[T>C]GTAGGAGGCCTCCGTGTGCAGCAGCTCCCACACCGCCTCCTGCTGGTGGCACTGCCGCCG-3'
Protein context (NP_065682.2, residues 342-362): WELLHTEASY[Ile352Val]RKLRVIINLF